The following is an entry in ClinVar:

GRCh38/hg38 8p23.1(chr8:11112581-11948451)x3

Genes: MTMR9 (myotubularin related protein 9), NEIL2 (nei like DNA glycosylase 2), SLC35G5 (solute carrier family 35 member G5), SNORA99 (small nucleolar RNA, H/ACA box 99), TDH-AS1 (TDH antisense RNA 1) and 86 more. Cytogenetic location: 8p23.1.
Variant type: copy number gain.
Change: copy number 3 (three copies instead of two) of chr8:11,112,581-11,948,451 (835.9 kb, GRCh38 coordinates, 1-based), cytogenetic band 8p23.1.
Identifiers: ClinVar variation 57156 (VCV000057156.1).

ClinVar aggregate classification (germline): Uncertain significance (1 of 4 stars; one submission).

Submission:

ISCA site 4
Classification: Uncertain significance. Last evaluated: 2011-08-12. Review status: criteria provided, single submitter. Criteria: Kaminsky et al. (Genet Med. 2011). Collection method: clinical testing. Allele origin: unknown. Affected: yes. Observed: 1 variant allele.
Comment: Copy number variation identified through the course of routine clinical cytogenomic testing in postnatal populations. Clinical assertions have been curated as described in Kaminsky et al. 2011.